The following is an entry in ClinVar:

NM_183357.3(ADCY5):c.32del (p.Gly11fs)

Gene: ADCY5 (adenylate cyclase 5; minus strand). Cytogenetic location: 3q21.1.
Variant type: Deletion.
Coding change: c.32del on transcript NM_183357.3 (MANE Select); coding-DNA position 32, one base deleted (G; older notation c.32delG).
Protein change: p.Gly11fs; shifts the reading frame from glycine 11.
Molecular consequence: frameshift variant.
Genome position (GRCh38, 1-based): chr3:123,448,514, C deleted on the plus strand (G on the coding strand, the reverse complement: ADCY5 is on the minus strand); the first of 3 consecutive C bases (chr3:123,448,514-123,448,516); deleting any one gives the same sequence. VCF-style (leftmost placement, unchanged base first): chr3-123448513-GC-G. GRCh37 (hg19) VCF-style: chr3-123167360-GC-G.
Other names: c.32del, p.Gly11fs (NM_001378259.1); short protein forms G11fs.
Identifiers: ClinVar variation 3344175 (VCV003344175.1).

ClinVar aggregate classification (germline): Likely pathogenic (0 of 4 stars; one submission).

Conditions:
ADCY5-related disorder. Also called: ADCY5-related condition.

Submission:

PreventionGenetics, part of Exact Sciences
Classification: Likely pathogenic for ADCY5-related condition. Last evaluated: 2024-04-16. Review status: no assertion criteria provided. Collection method: clinical testing. Allele origin: germline.
Comment: The ADCY5 c.32delG variant is predicted to result in a frameshift and premature protein termination (p.Gly11Alafs*51). To our knowledge, this variant has not been reported in the literature or in a large population database, indicating this variant is rare. Frameshift variants in ADCY5 are expected to be pathogenic. This variant is interpreted as likely pathogenic.